The following is an entry in ClinVar:

ClinVar aggregate classification (germline): Uncertain significance (1 of 4 stars; one submission).

Conditions:
KBG syndrome (KBGS). Also called: ANKRD11-Related KBG Syndrome. Identifiers: Orphanet 2332, MedGen C0220687, MONDO:0007846, OMIM 148050.

gnomAD v4.1: 3 of 1,613,412 alleles (0.00019%); highest among the groups gnomAD compares: Non-Finnish European, 0.00025%; no homozygotes.

Submission:

Labcorp Genetics (formerly Invitae), Labcorp
Classification: Uncertain significance for KBG syndrome. Last evaluated: 2025-04-10. Review status: criteria provided, single submitter. Criteria: Invitae Variant Classification Sherloc (09022015). Collection method: clinical testing. Allele origin: germline.
Comment: This sequence change replaces lysine, which is basic and polar, with glutamic acid, which is acidic and polar, at codon 1200 of the ANKRD11 protein (p.Lys1200Glu). This variant is not present in population databases (gnomAD no frequency). This variant has not been reported in the literature in individuals affected with ANKRD11-related conditions. Invitae Evidence Modeling of protein sequence and biophysical properties (such as structural, functional, and spatial information, amino acid conservation, physicochemical variation, residue mobility, and thermodynamic stability) indicates that this missense variant is not expected to disrupt ANKRD11 protein function with a negative predictive value of 95%. In summary, the available evidence is currently insufficient to determine the role of this variant in disease. Therefore, it has been classified as a Variant of Uncertain Significance.

NM_013275.6(ANKRD11):c.3598A>G (p.Lys1200Glu)

Gene: ANKRD11 (ankyrin repeat domain 11; minus strand). Cytogenetic location: 16q24.3.
Variant type: single nucleotide variant.
Coding change: c.3598A>G on transcript NM_013275.6 (MANE Select); coding-DNA position 3598, A replaced by G.
Protein change: p.Lys1200Glu; replaces lysine 1200 with glutamic acid.
Molecular consequence: missense variant.
Genome position (GRCh38, 1-based): chr16:89,282,944, T>C on the plus strand (A>G on the coding strand, the complement: ANKRD11 is on the minus strand). VCF-style: chr16-89282944-T-C. GRCh37 (hg19) VCF-style: chr16-89349352-T-C.
Other names: c.3598A>G, p.Lys1200Glu (NM_001256182.2, NM_001256183.2); short protein forms K1200E.
Identifiers: ClinVar variation 4798370 (VCV004798370.1).